The following is an entry in ClinVar:

NM_018451.5(CPAP):c.3948G>A (p.Thr1316=)

Genes: CPAP (centrosome assembly and centriole elongation protein; minus strand), RNF17 (ring finger protein 17; plus strand). Cytogenetic location: 13q12.12.
Variant type: single nucleotide variant.
Coding change: c.3948G>A on transcript NM_018451.5 (MANE Select); coding-DNA position 3948, G replaced by A.
Protein change: p.Thr1316=; no amino-acid change (threonine 1316 retained).
Molecular consequence: synonymous variant. On other transcripts: non-coding transcript variant (2).
Genome position (GRCh38, 1-based): chr13:24,883,246, C>T on the plus strand (G>A on the coding strand, the complement: CPAP is on the minus strand). VCF-style: chr13-24883246-C-T. GRCh37 (hg19) VCF-style: chr13-25457384-C-T.
Identifiers: ClinVar variation 1256280 (VCV001256280.12), dbSNP rs146300947, ClinGen allele CA6919091.

ClinVar aggregate classification (germline): Benign/Likely benign. Review status: criteria provided, multiple submitters, no conflicts (2 of 4 stars). 4 submissions from 4 submitters: Benign (2); Likely benign (2). Last evaluated 2026-05-01.

Allele frequency attached by ClinVar (database versions not stated): gnomAD 0.00004 and 0.00007; TOPMed 0.00007; ESP Exome Variant Server 0.00008; gnomAD exomes 0.00012 and 0.00026; 1000 Genomes Project 0.00020; ExAC 0.00029; 1000 Genomes Project 30x 0.00031.
gnomAD v4.1: 182 of 1,614,080 alleles (0.011%); highest among the groups gnomAD compares: South Asian, 0.18%; no homozygotes.

Submissions (4):

CeGaT Center for Human Genetics Tuebingen
Classification: Likely benign. Last evaluated: 2026-05-01. Review status: criteria provided, single submitter. Criteria: CeGaT Center For Human Genetics Tuebingen Variant Classification Criteria Version 2. Collection method: clinical testing. Allele origin: germline. Affected: yes. Observed: 1 variant allele.
Comment: CPAP: BP4, BP7

Labcorp Genetics (formerly Invitae), Labcorp
Classification: Benign. Last evaluated: 2025-09-13. Review status: criteria provided, single submitter. Criteria: Invitae Variant Classification Sherloc (09022015). Collection method: clinical testing. Allele origin: germline.

Blueprint Genetics
Classification: Likely benign. Last evaluated: 2024-11-06. Review status: criteria provided, single submitter. Criteria: ACMG Guidelines, 2015. Collection method: clinical testing. Allele origin: germline.

Athena Diagnostics
Classification: Benign. Last evaluated: 2021-03-16. Review status: criteria provided, single submitter. Criteria: Athena Diagnostics criteria. Collection method: clinical testing. Allele origin: unknown.